The following is an entry in ClinVar:

NM_000540.3(RYR1):c.4615T>C (p.Phe1539Leu)

Gene: RYR1 (ryanodine receptor 1; plus strand). Cytogenetic location: 19q13.2.
Variant type: single nucleotide variant.
Coding change: c.4615T>C on transcript NM_000540.3 (MANE Select); coding-DNA position 4615, T replaced by C.
Protein change: p.Phe1539Leu; replaces phenylalanine 1539 with leucine.
Molecular consequence: missense variant.
Genome position (GRCh38, 1-based): chr19:38,478,595, T>C. VCF-style: chr19-38478595-T-C. GRCh37 (hg19) VCF-style: chr19-38969235-T-C.
Other names: c.4615T>C, p.Phe1539Leu (NM_001042723.2); short protein forms F1539L.
Identifiers: ClinVar variation 4752783 (VCV004752783.1).
Genomic context (GRCh38, chr19:38,478,595, plus strand): 5'-GTGGACTTGGCCACTGGCTTAATGACCTTTACAGCCAATGGCAAAGAGAGCAACACCTTT[T>C]TCCAGGTGAGTCCAGGCCACAGCAATTTAGCGAGAGCATCATGTCCCAGCATCCCAGGAC-3'
Protein context (NP_000531.2, residues 1529-1549): TANGKESNTF[Phe1539Leu]QVEPNTKLFP

ClinVar aggregate classification (germline): Uncertain significance (1 of 4 stars; one submission).

Conditions:
RYR1-related disorder. Also called: RYR1-related condition; RYR1-related disorders. Identifiers: MedGen CN239331.

Submission:

Labcorp Genetics (formerly Invitae), Labcorp
Classification: Uncertain significance for RYR1-related disorder. Last evaluated: 2025-06-10. Review status: criteria provided, single submitter. Criteria: Invitae Variant Classification Sherloc (09022015). Collection method: clinical testing. Allele origin: germline.
Comment: This sequence change replaces phenylalanine, which is neutral and non-polar, with leucine, which is neutral and non-polar, at codon 1539 of the RYR1 protein (p.Phe1539Leu). This variant is not present in population databases (gnomAD no frequency). This variant has not been reported in the literature in individuals affected with RYR1-related conditions. Invitae Evidence Modeling of protein sequence and biophysical properties (such as structural, functional, and spatial information, amino acid conservation, physicochemical variation, residue mobility, and thermodynamic stability) indicates that this missense variant is not expected to disrupt RYR1 protein function with a negative predictive value of 80%. In summary, the available evidence is currently insufficient to determine the role of this variant in disease. Therefore, it has been classified as a Variant of Uncertain Significance.